The following is an entry in ClinVar:

NM_003978.5(PSTPIP1):c.523A>T (p.Asn175Tyr)

Gene: PSTPIP1 (proline-serine-threonine phosphatase interacting protein 1; plus strand). Cytogenetic location: 15q24.3.
Variant type: single nucleotide variant.
Coding change: c.523A>T on transcript NM_003978.5 (MANE Select); coding-DNA position 523, A replaced by T.
Protein change: p.Asn175Tyr; replaces asparagine 175 with tyrosine.
Molecular consequence: missense variant. On other transcripts: non-coding transcript variant (1).
Genome position (GRCh38, 1-based): chr15:77,029,535, A>T. VCF-style: chr15-77029535-A-T. GRCh37 (hg19) VCF-style: chr15-77321876-A-T.
Other names: c.523A>T, p.Asn175Tyr (NM_001321135.2, NM_001411086.1); c.496A>T, p.Asn166Tyr (NM_001321136.2); c.718A>T, p.Asn240Tyr (NM_001321137.1); short protein forms N175Y, N166Y, N240Y.
Identifiers: ClinVar variation 4768820 (VCV004768820.1).

ClinVar aggregate classification (germline): Uncertain significance (1 of 4 stars; one submission).

Conditions:
Pyogenic arthritis-pyoderma gangrenosum-acne syndrome (PAPA). Also called: FAMILIAL RECURRENT ARTHRITIS; PAPA SYNDROME. Identifiers: Orphanet 69126, MedGen C1858361, MONDO:0011462, OMIM 604416.

Submission:

Labcorp Genetics (formerly Invitae), Labcorp
Classification: Uncertain significance for Pyogenic arthritis-pyoderma gangrenosum-acne syndrome. Last evaluated: 2025-05-11. Review status: criteria provided, single submitter. Criteria: Invitae Variant Classification Sherloc (09022015). Collection method: clinical testing. Allele origin: germline.
Comment: This sequence change replaces asparagine, which is neutral and polar, with tyrosine, which is neutral and polar, at codon 175 of the PSTPIP1 protein (p.Asn175Tyr). This variant is not present in population databases (gnomAD no frequency). This variant has not been reported in the literature in individuals affected with PSTPIP1-related conditions. Invitae Evidence Modeling of protein sequence and biophysical properties (such as structural, functional, and spatial information, amino acid conservation, physicochemical variation, residue mobility, and thermodynamic stability) has been performed for this missense variant. However, the output from this modeling did not meet the statistical confidence thresholds required to predict the impact of this variant on PSTPIP1 protein function. In summary, the available evidence is currently insufficient to determine the role of this variant in disease. Therefore, it has been classified as a Variant of Uncertain Significance.